The following is an entry in ClinVar:

ClinVar aggregate classification (germline): Pathogenic. Review status: criteria provided, multiple submitters, no conflicts (2 of 4 stars). 2 submissions from 2 submitters: Pathogenic (2). Last evaluated 2024-05-20.

Conditions:
Retinoblastoma (RB1). Also called: RETINOBLASTOMA, SOMATIC. Identifiers: Orphanet 790, MedGen C0035335, MeSH D012175, MONDO:0008380, OMIM 180200, HP:0009919. Disease mechanism: loss of function. Inheritance: Both sporadic and heritable forms are tested..

Submissions (2):

Genetic Diagnostic Laboratory, University of Pennsylvania School of Medicine
Classification: Pathogenic for Retinoblastoma. Last evaluated: 2024-05-20. Review status: criteria provided, single submitter. Criteria: ACMG Guidelines, 2015. Collection method: clinical testing. Allele origin: germline. Affected: yes. Observed: 2 variant alleles.
Comment: Case and Pedigree Information: BILATERAL CASES:2, UNILATERAL CASES:0, TOTAL CASES:2, PEDIGREES:2. ACMG Codes Applied:PVS1, PM2

Labcorp Genetics (formerly Invitae), Labcorp
Classification: Pathogenic for Retinoblastoma. Last evaluated: 2023-07-06. Review status: criteria provided, single submitter. Criteria: Invitae Variant Classification Sherloc (09022015). Collection method: clinical testing. Allele origin: germline.
Comment: For these reasons, this variant has been classified as Pathogenic. This sequence change creates a premature translational stop signal (p.Ser82*) in the RB1 gene. It is expected to result in an absent or disrupted protein product. Loss-of-function variants in RB1 are known to be pathogenic (PMID: 17096365). This variant is not present in population databases (gnomAD no frequency). This premature translational stop signal has been observed in individual(s) with bilateral retinoblastoma (PMID: 12541220).

Literature cited by the submitters: PubMed 17096365 (cited by Labcorp Genetics (formerly Invitae), Labcorp); PubMed 12541220 (cited by Labcorp Genetics (formerly Invitae), Labcorp).

NM_000321.3(RB1):c.245C>G (p.Ser82Ter)

Gene: RB1 (RB transcriptional corepressor 1; plus strand). Cytogenetic location: 13q14.2.
Variant type: single nucleotide variant.
Coding change: c.245C>G on transcript NM_000321.3 (MANE Select); coding-DNA position 245, C replaced by G.
Protein change: p.Ser82Ter; replaces serine 82 with a stop codon.
Molecular consequence: nonsense.
Genome position (GRCh38, 1-based): chr13:48,307,387, C>G. VCF-style: chr13-48307387-C-G. GRCh37 (hg19) VCF-style: chr13-48881523-C-G.
Other names: c.245C>G, p.Ser82Ter (NM_001407165.1, NM_001407166.1, NM_001407167.1); short protein forms S82*.
Identifiers: ClinVar variation 2736234 (VCV002736234.4), dbSNP rs755704180, ClinGen allele CA388250662.